The following is an entry in ClinVar:

ClinVar aggregate classification (germline): Likely pathogenic (1 of 4 stars; one submission).

Conditions:
Histiocytic medullary reticulosis. Also called: SEVERE COMBINED IMMUNODEFICIENCY WITH HYPEREOSINOPHILIA; Omenn syndrome. Identifiers: Orphanet 39041, MedGen C2700553, MONDO:0011338, OMIM 603554.

Submission:

Natera, Inc.
Classification: Likely pathogenic for Omenn syndrome. Last evaluated: 2024-05-08. Review status: criteria provided, single submitter. Criteria: Natera Variant Classification Schema (03/2026). Collection method: clinical testing. Allele origin: germline.
Comment: The c.433del variant in RAG2 is a frameshift variant predicted to shift the reading frame beginning at codon 145 and leads to a stop codon 31 codons downstream. This variant is expected to result in nonsense mediated decay, truncation, or a dysfunctional protein product. This variant is rare in the general population with a frequency below the threshold expected for the associated phenotype(s). Given the available evidence, this variant is classified as Likely Pathogenic.

NM_000536.4(RAG2):c.433del (p.Val145fs)

Gene: RAG2 (recombination activating 2; minus strand). Cytogenetic location: 11p12.
Variant type: Deletion.
Coding change: c.433del on transcript NM_000536.4 (MANE Select); coding-DNA position 433, one base deleted (G; older notation c.433delG).
Protein change: p.Val145fs; shifts the reading frame from valine 145.
Molecular consequence: frameshift variant.
Genome position (GRCh38, 1-based): chr11:36,593,736, C deleted on the plus strand (G on the coding strand, the reverse complement: RAG2 is on the minus strand); the first of 2 consecutive C bases (chr11:36,593,736-36,593,737); deleting either gives the same sequence. VCF-style (leftmost placement, unchanged base first): chr11-36593735-AC-A. GRCh37 (hg19) VCF-style: chr11-36615285-AC-A.
Other names: c.433del, p.Val145fs (NM_001243785.2, NM_001243786.2); short protein forms V145fs.
Identifiers: ClinVar variation 4814340 (VCV004814340.1).